The following is an entry in ClinVar:

ClinVar aggregate classification (germline): Uncertain significance (1 of 4 stars; one submission).

Conditions:
Hereditary cancer-predisposing syndrome. Also called: Neoplastic Syndromes, Hereditary; Tumor predisposition; Hereditary Cancer Syndrome; Hereditary neoplastic syndrome. Identifiers: Orphanet 140162, MedGen C0027672, MeSH D009386, MONDO:0015356.

Submission:

Ambry Genetics
Classification: Uncertain significance for Hereditary cancer-predisposing syndrome. Last evaluated: 2024-10-24. Review status: criteria provided, single submitter. Criteria: Ambry Variant Classification Scheme 2023. Collection method: clinical testing. Allele origin: germline.
Comment: The p.Q25H variant (also known as c.75G>C), located in coding exon 1 of the BRIP1 gene, results from a G to C substitution at nucleotide position 75. The glutamine at codon 25 is replaced by histidine, an amino acid with highly similar properties. This amino acid position is highly conserved in available vertebrate species. In addition, this alteration is predicted to be deleterious by in silico analysis. Since supporting evidence is limited at this time, the clinical significance of this alteration remains unclear.

NM_032043.3(BRIP1):c.75G>C (p.Gln25His)

Gene: BRIP1 (BRCA1 interacting DNA helicase 1; minus strand). Cytogenetic location: 17q23.2.
Variant type: single nucleotide variant.
Coding change: c.75G>C on transcript NM_032043.3 (MANE Select); coding-DNA position 75, G replaced by C.
Protein change: p.Gln25His; replaces glutamine 25 with histidine.
Molecular consequence: missense variant.
Genome position (GRCh38, 1-based): chr17:61,861,465, C>G on the plus strand (G>C on the coding strand, the complement: BRIP1 is on the minus strand). VCF-style: chr17-61861465-C-G. GRCh37 (hg19) VCF-style: chr17-59938826-C-G.
Other names: short protein forms Q25H.
Identifiers: ClinVar variation 1759742 (VCV001759742.3), dbSNP rs1555618712, ClinGen allele CA400485936.